The following is an entry in ClinVar:

ClinVar aggregate classification (germline): Uncertain significance (1 of 4 stars; one submission).

Conditions:
Wiedemann-Steiner syndrome (WDSTS). Also called: Growth deficiency and mental retardation with facial dysmorphism. Identifiers: Orphanet 319182, MedGen C1854630, MONDO:0011518, OMIM 605130.

Submission:

Juno Genomics, Hangzhou Juno Genomics, Inc
Classification: Uncertain significance for Wiedemann-Steiner syndrome. Review status: criteria provided, single submitter. Criteria: ACMG Guidelines, 2015. Collection method: clinical testing. Allele origin: germline. Affected: yes.
Comment: Absent from controls (or at extremely low frequency if recessive) in Genome Aggregation Database, Exome Sequencing Project, 1000 Genomes Project, or Exome Aggregation Consortium.;Missense variant in a gene that has a low rate of benign missense variation and where missense variants are a common mechanism of disease.;Patient's phenotype or family history is highly specific for a disease with a single genetic etiology.

NM_001197104.2(KMT2A):c.6226G>C (p.Glu2076Gln)

Gene: KMT2A (lysine methyltransferase 2A; plus strand). Cytogenetic location: 11q23.3.
Variant type: single nucleotide variant.
Coding change: c.6226G>C on transcript NM_001197104.2 (MANE Select); coding-DNA position 6226, G replaced by C.
Protein change: p.Glu2076Gln; replaces glutamic acid 2076 with glutamine.
Molecular consequence: missense variant.
Genome position (GRCh38, 1-based): chr11:118,501,054, G>C. VCF-style: chr11-118501054-G-C. GRCh37 (hg19) VCF-style: chr11-118371769-G-C.
Other names: c.6316G>C, p.Glu2106Gln (NM_001412597.1); c.6217G>C, p.Glu2073Gln (NM_005933.4); short protein forms E2073Q, E2076Q, E2106Q.
Identifiers: ClinVar variation 3382146 (VCV003382146.2).